The following is an entry in ClinVar:

NM_001282531.3(ADNP):c.1062C>T (p.Asn354=)

Gene: ADNP (activity dependent neuroprotector homeobox; minus strand). Cytogenetic location: 20q13.13.
Variant type: single nucleotide variant.
Coding change: c.1062C>T on transcript NM_001282531.3 (MANE Select); coding-DNA position 1062, C replaced by T.
Protein change: p.Asn354=; no amino-acid change (asparagine 354 retained).
Molecular consequence: synonymous variant.
Genome position (GRCh38, 1-based): chr20:50,893,652, G>A on the plus strand (C>T on the coding strand, the complement: ADNP is on the minus strand). VCF-style: chr20-50893652-G-A. GRCh37 (hg19) VCF-style: chr20-49510189-G-A.
Other names: c.1062C>T (NM_001282531.2); c.1062C>T, p.Asn354= (NM_001282532.2, NM_001347511.2, NM_015339.5 and 1 more transcripts).
Identifiers: ClinVar variation 741518 (VCV000741518.6), dbSNP rs539899954, ClinGen allele CA9908791.

ClinVar aggregate classification (germline): Likely benign. Review status: criteria provided, multiple submitters, no conflicts (2 of 4 stars). 2 submissions from 2 submitters: Likely benign (2). Last evaluated 2025-10-13.

Conditions:
ADNP-related disorder. Also called: ADNP-related condition.

Allele frequency attached by ClinVar (database versions not stated): gnomAD 0.00002 and 0.00003; gnomAD exomes 0.00003; TOPMed 0.00003; ExAC 0.00004; 1000 Genomes Project 0.00040; 1000 Genomes Project 30x 0.00047.
gnomAD v4.1: 50 of 1,614,130 alleles (0.0031%); highest among the groups gnomAD compares: Middle Eastern, 0.016%; no homozygotes.

Submissions (2):

Labcorp Genetics (formerly Invitae), Labcorp
Classification: Likely benign. Last evaluated: 2025-10-13. Review status: criteria provided, single submitter. Criteria: Invitae Variant Classification Sherloc (09022015). Collection method: clinical testing. Allele origin: germline.

PreventionGenetics, part of Exact Sciences
Classification: Likely benign for ADNP-related condition. Last evaluated: 2024-12-19. Review status: criteria provided, single submitter. Criteria: ACMG Guidelines, 2015. Collection method: clinical testing. Allele origin: germline.
Comment: This variant is classified as likely benign based on ACMG/AMP sequence variant interpretation guidelines (Richards et al. 2015 PMID: 25741868, with internal and published modifications).